The following is an entry in ClinVar:

NM_001349338.3(FOXP1):c.1495_1498dup (p.Ala500fs)

Genes: FOXP1 (forkhead box P1; minus strand), LOC126806714 (BRD4-independent group 4 enhancer GRCh37_chr3:71025197-71026396; plus strand). Cytogenetic location: 3p13.
Variant type: Duplication.
Coding change: c.1495_1498dup on transcript NM_001349338.3 (MANE Select); coding-DNA positions 1495 to 1498, 4 bases duplicated (TTTG; older notation c.1495_1498dupTTTG).
Protein change: p.Ala500fs; shifts the reading frame from alanine 500.
Molecular consequence: frameshift variant. On other transcripts: non-coding transcript variant (2).
Genome position (GRCh38, 1-based): chr3:70,976,973-70,976,976, CAAA duplicated on the plus strand (TTTG on the coding strand, the reverse complement: FOXP1 is on the minus strand); duplicating any 4 consecutive bases within chr3:70,976,973-70,976,978 gives the same sequence; the c. name uses the placement nearest the transcript's 3' end. VCF-style (leftmost placement, unchanged base first): chr3-70976972-G-GCAAA. GRCh37 (hg19) VCF-style: chr3-71026123-G-GCAAA.
Other names: c.1495_1498dup, p.Ala500fs (NM_001244816.2, NM_001349340.3, NM_001244810.2 and 2 more transcripts); c.1192_1195dup, p.Ala399fs (NM_001349337.2, NM_001349343.3, NM_001349344.3 and 1 more transcripts); c.1492_1495dup, p.Ala499fs (NM_001349341.3, NM_001244808.3); c.1195_1198dup, p.Ala400fs (NM_001349342.3, NM_001244813.3, NM_001244815.2); c.1267_1270dup, p.Ala424fs (NM_001244812.3); short protein forms A399fs, A424fs, A400fs, A499fs, A500fs.
Identifiers: ClinVar variation 3572497 (VCV003572497.2).

ClinVar aggregate classification (germline): Pathogenic (1 of 4 stars; one submission).

Submission:

GeneDx
Classification: Pathogenic. Last evaluated: 2025-07-13. Review status: criteria provided, single submitter. Criteria: GeneDx Variant Classification Process June 2021. Collection method: clinical testing. Allele origin: germline.
Comment: Not observed at significant frequency in large population cohorts (gnomAD); Frameshift variant predicted to result in protein truncation or nonsense mediated decay in a gene for which loss of function is a known mechanism of disease; This variant is associated with the following publications: (PMID: 34547244, 32719394, 38567173)